The following is an entry in ClinVar:

ClinVar aggregate classification (germline): Benign (0 of 4 stars; one submission).

Conditions:
KCNQ1-related disorder. Also called: KCNQ1-related condition; KCNQ1-related disorders. Identifiers: MedGen CN239322.

Submission:

PreventionGenetics, part of Exact Sciences
Classification: Benign for KCNQ1-related condition. Last evaluated: 2019-09-18. Review status: no assertion criteria provided. Collection method: clinical testing. Allele origin: germline.
Comment: This variant is classified as benign based on ACMG/AMP sequence variant interpretation guidelines (Richards et al. 2015 PMID: 25741868, with internal and published modifications).

NM_000218.3(KCNQ1):c.1394-21384_1394-21383del

Genes: KCNQ1 (potassium voltage-gated channel subfamily Q member 1; plus strand), KCNQ1OT1 (KCNQ1 opposite strand/antisense transcript 1; minus strand). Cytogenetic location: 11p15.5.
Variant type: Deletion.
Coding change: c.1394-21384_1394-21383del on transcript NM_000218.3 (MANE Select); 21384 bases into the intron before coding-DNA position 1394 through 21383 bases into the intron before coding-DNA position 1394, 2 bases deleted (TT; older notation c.1394-21384_1394-21383delTT).
Molecular consequence: intron variant. On other transcripts: non-coding transcript variant (1).
Genome position (GRCh38, 1-based): chr11:2,640,577-2,640,578, TT deleted; deleting any 2 consecutive bases within chr11:2,640,563-2,640,578 gives the same sequence; the c. name uses the placement nearest the transcript's 3' end. VCF-style (leftmost placement, unchanged base first): chr11-2640562-CTT-C. GRCh37 (hg19) VCF-style: chr11-2661792-CTT-C.
Other names: c.1124-21384_1124-21383del (NM_001406837.1); c.1298-21384_1298-21383del (NM_001406836.1); c.854-21384_854-21383del (NM_001406838.1); c.1013-21384_1013-21383del (NM_181798.2).
Identifiers: ClinVar variation 3058847 (VCV003058847.2), dbSNP rs58881533, ClinGen allele CA216153934.